The following is an entry in ClinVar:

ClinVar aggregate classification (germline): Likely benign. Review status: criteria provided, multiple submitters, no conflicts (2 of 4 stars). 2 submissions from 2 submitters: Likely benign (2). Last evaluated 2023-10-15.

Conditions:
Fabry disease. Also called: HEREDITARY DYSTOPIC LIPIDOSIS; Ceramide trihexosidosis; Fabry's disease; Angiokeratoma corporis diffusum; ALPHA-GALACTOSIDASE A DEFICIENCY; ANDERSON-FABRY DISEASE. Identifiers: Orphanet 324, MedGen C0002986, MONDO:0010526, OMIM 301500, HP:0001071. Disease mechanism: Fabry disease is due to inactivating mutations in the X-linked GLA gene resulting in deficiency of the enzyme Alpha Galactosidase-A., loss of function.

Allele frequency attached by ClinVar (database versions not stated): gnomAD exomes below 0.00001 and 0.00002; ExAC 0.00003.

Submissions (2):

Labcorp Genetics (formerly Invitae), Labcorp
Classification: Likely benign for Fabry disease. Last evaluated: 2023-10-15. Review status: criteria provided, single submitter. Criteria: Invitae Variant Classification Sherloc (09022015). Collection method: clinical testing. Allele origin: germline.

GeneDx
Classification: Likely benign. Last evaluated: 2017-01-24. Review status: criteria provided, single submitter. Criteria: GeneDx Variant Classification (06012015). Collection method: clinical testing. Allele origin: germline. Affected: yes.
Comment: This variant is considered likely benign or benign based on one or more of the following criteria: it is a conservative change, it occurs at a poorly conserved position in the protein, it is predicted to be benign by multiple in silico algorithms, and/or has population frequency not consistent with disease.

NM_000169.3(GLA):c.501A>T (p.Leu167=)

Genes: GLA (galactosidase alpha; minus strand), RPL36A-HNRNPH2 (RPL36A-HNRNPH2 readthrough; plus strand). Cytogenetic location: Xq22.1.
Variant type: single nucleotide variant.
Coding change: c.501A>T on transcript NM_000169.3 (MANE Select); coding-DNA position 501, A replaced by T.
Protein change: p.Leu167=; no amino-acid change (leucine 167 retained).
Molecular consequence: synonymous variant. On other transcripts: non-coding transcript variant (3), intron variant (2).
Genome position (GRCh38, 1-based): chrX:101,401,678, T>A on the plus strand (A>T on the coding strand, the complement: GLA is on the minus strand). VCF-style: chrX-101401678-T-A. GRCh37 (hg19) VCF-style: chrX-100656666-T-A.
Other names: c.624A>T, p.Leu208= (NM_001406747.1, NM_001406749.1); c.501A>T, p.Leu167= (NM_001406748.1); c.300+6221T>A (NM_001199973.2); c.177+9856T>A (NM_001199974.2).
Identifiers: ClinVar variation 222270 (VCV000222270.9), dbSNP rs782486830, ClinGen allele CA031099.
Genomic context (GRCh38, chrX:101,401,678, plus strand): 5'-GAATGAAACATTACCATCTGCCAAATTTTCCAAACTGTCACAGTAACAACCATCAAATTT[T>A]AGCAGATCTACTCCCCAGTCAGCAAAGGTCTGGGCATCAATGTCGTAGTATCCAAAACTC-3'
Protein context (NP_000160.1, residues 157-177): QTFADWGVDL[Leu167=]KFDGCYCDSL